The following is an entry in ClinVar:

ClinVar aggregate classification (germline): Benign/Likely benign. Review status: criteria provided, multiple submitters, no conflicts (2 of 4 stars). 2 submissions from 2 submitters: Benign (1); Likely benign (1). Last evaluated 2018-01-13.

Conditions:
Episodic ataxia type 1 (EA1). Also called: ATAXIA, EPISODIC, WITH MYOKYMIA; MYOKYMIA WITH PERIODIC ATAXIA; PAROXYSMAL ATAXIA WITH NEUROMYOTONIA, HEREDITARY; Episodic ataxia/myokymia syndrome. Identifiers: Orphanet 37612, Orphanet 972, MedGen C1719788, MONDO:0008047, OMIM 160120.

Allele frequency attached by ClinVar (database versions not stated): gnomAD 0.00226 and 0.00239; 1000 Genomes Project 0.00300; gnomAD exomes 0.00145; 1000 Genomes Project 30x 0.00328; TOPMed 0.00505.
gnomAD v4.1: 1,070 of 627,226 alleles (0.17%); highest among the groups gnomAD compares: Admixed American, 2.9%; 27 homozygotes.

Submissions (2):

Illumina Laboratory Services, Illumina
Classification: Benign for Episodic ataxia type 1. Last evaluated: 2018-01-13. Review status: criteria provided, single submitter. Criteria: ICSL Variant Classification Criteria 13 December 2019. Collection method: clinical testing. Allele origin: germline.
Comment: This variant was observed in the ICSL laboratory as part of a predisposition screen in an ostensibly healthy population. It had not been previously curated by ICSL or reported in the Human Gene Mutation Database (HGMD: prior to June 1st, 2018), and was therefore a candidate for classification through an automated scoring system. Utilizing variant allele frequency, disease prevalence and penetrance estimates, and inheritance mode, an automated score was calculated to assess if this variant is too frequent to cause the disease. Based on the score and internal cut-off values, a variant classified as benign is not then subjected to further curation. The score for this variant resulted in a classification of benign for this disease.

Breakthrough Genomics
Classification: Likely benign. Review status: criteria provided, single submitter. Criteria: ACMG Guidelines, 2015. Collection method: not provided. Allele origin: germline. Inheritance: Autosomal dominant inheritance. Affected: yes.

NM_000217.3(KCNA1):c.*189G>A

Gene: KCNA1 (potassium voltage-gated channel subfamily A member 1; plus strand). Cytogenetic location: 12p13.32.
Variant type: single nucleotide variant.
Coding change: c.*189G>A on transcript NM_000217.3 (MANE Select); 189 bases downstream of the stop codon, G replaced by A.
Molecular consequence: 3 prime UTR variant.
Genome position (GRCh38, 1-based): chr12:4,913,055, G>A. VCF-style: chr12-4913055-G-A. GRCh37 (hg19) VCF-style: chr12-5022221-G-A.
Identifiers: ClinVar variation 309151 (VCV000309151.7), dbSNP rs187069793, ClinGen allele CA10642499.